The following is an entry in ClinVar:

ClinVar aggregate classification (germline): Likely pathogenic. Review status: criteria provided, multiple submitters, no conflicts (2 of 4 stars). 2 submissions from 2 submitters: Likely pathogenic (2). Last evaluated 2024-06-16.

Conditions:
Bronchiectasis with or without elevated sweat chloride 1 (BESC1). Also called: Cystic Fibrosis-Like Syndrome. Identifiers: Orphanet 60033, MedGen C2749757, MONDO:0008887, OMIM 211400.
Cystic fibrosis (CF). Also called: MUCOVISCIDOSIS. Identifiers: Orphanet 586, MedGen C0010674, MONDO:0009061, OMIM 219700. Disease mechanism: loss of function.
Hereditary pancreatitis (PCTT). Also called: Hereditary chronic pancreatitis; PRSS1-Related Hereditary Pancreatitis. Identifiers: Orphanet 676, MedGen C0238339, MONDO:0008185, OMIM 167800.
Congenital bilateral aplasia of vas deferens from CFTR mutation (CBAVD). Identifiers: Orphanet 48, MedGen C0403814, MONDO:0010178, OMIM 277180. Disease mechanism: loss of function.

gnomAD v4.1: 3 of 1,509,222 alleles (0.0002%); highest among the groups gnomAD compares: Non-Finnish European, 0.00028%; no homozygotes.

Submissions (2):

Fulgent Genetics
Classification: Likely pathogenic for Hereditary pancreatitis; Bronchiectasis with or without elevated sweat chloride 1; Cystic fibrosis; Congenital bilateral aplasia of vas deferens from CFTR mutation. Last evaluated: 2024-06-16. Review status: criteria provided, single submitter. Criteria: ACMG Guidelines, 2015. Collection method: clinical testing. Allele origin: germline.

Ambry Genetics
Classification: Likely pathogenic for Cystic fibrosis. Last evaluated: 2022-06-13. Review status: criteria provided, single submitter. Criteria: Ambry Variant Classification Scheme 2023. Collection method: clinical testing. Allele origin: germline.
Comment: The c.490-1G>C intronic variant (also known as 622-1G>C) results from a G to C substitution one nucleotide before coding exon 5 of the CFTR gene. This variant is considered to be rare based on population cohorts in the Genome Aggregation Database (gnomAD). This nucleotide position is highly conserved in available vertebrate species. In silico splice site analysis predicts that this alteration will weaken the native splice acceptor site and will result in the creation or strengthening of a novel splice acceptor site. Alterations that disrupt the canonical splice site are expected to cause aberrant splicing, resulting in an abnormal protein or a transcript that is subject to nonsense-mediated mRNA decay. As such, this alteration is classified as likely pathogenic.

NM_000492.4(CFTR):c.490-1G>C

Gene: CFTR (CF transmembrane conductance regulator; plus strand). Cytogenetic location: 7q31.2.
Variant type: single nucleotide variant.
Coding change: c.490-1G>C on transcript NM_000492.4 (MANE Select); the canonical splice acceptor site of the intron before coding-DNA position 490, G replaced by C.
Molecular consequence: splice acceptor variant.
Genome position (GRCh38, 1-based): chr7:117,534,275, G>C. VCF-style: chr7-117534275-G-C. GRCh37 (hg19) VCF-style: chr7-117174329-G-C.
Identifiers: ClinVar variation 1743994 (VCV001743994.3), dbSNP rs397508734, ClinGen allele CA368976292.